The following is an entry in ClinVar:

NM_000038.6(APC):c.4847A>G (p.Lys1616Arg)

Gene: APC (APC regulator of Wnt signaling pathway; plus strand). Cytogenetic location: 5q22.2.
Variant type: single nucleotide variant.
Coding change: c.4847A>G on transcript NM_000038.6 (MANE Select); coding-DNA position 4847, A replaced by G.
Protein change: p.Lys1616Arg; replaces lysine 1616 with arginine.
Molecular consequence: missense variant.
Genome position (GRCh38, 1-based): chr5:112,840,441, A>G. VCF-style: chr5-112840441-A-G. GRCh37 (hg19) VCF-style: chr5-112176138-A-G.
Other names: c.4367A>G, p.Lys1456Arg (NM_001354905.2); c.3998A>G, p.Lys1333Arg (NM_001354906.2, NM_001407470.1); c.4931A>G, p.Lys1644Arg (NM_001407446.1); c.4901A>G, p.Lys1634Arg (NM_001407447.1, NM_001407448.1, NM_001354896.2 and 1 more transcripts); c.4847A>G, p.Lys1616Arg (NM_001127510.3, NM_001354895.2, NM_001407450.1); c.4793A>G, p.Lys1598Arg (NM_001127511.3); c.4877A>G, p.Lys1626Arg (NM_001354897.2); c.4772A>G, p.Lys1591Arg (NM_001354898.2); and 11 more; short protein forms K1490R, K1575R, K1616R, K1634R, K1232R, K1557R, K1609R, K1626R.
Identifiers: ClinVar variation 1743532 (VCV001743532.6), dbSNP rs1554086241, ClinGen allele CA16031951.
Genomic context (GRCh38, chr5:112,840,441, plus strand): 5'-AGACTGCTTCAAAATTACCTCCACCTGTGGCAAGGAAACCAAGTCAGCTGCCTGTGTACA[A>G]ACTTCTACCATCACAAAACAGGTTGCAACCCCAAAAGCATGTTAGTTTTACACCGGGGGA-3'
Protein context (NP_000029.2, residues 1606-1626): ARKPSQLPVY[Lys1616Arg]LLPSQNRLQP

ClinVar aggregate classification (germline): Uncertain significance. Review status: criteria provided, multiple submitters, no conflicts (2 of 4 stars). 2 submissions from 2 submitters: Uncertain significance (2). Last evaluated 2025-03-14.

Conditions:
Hereditary cancer-predisposing syndrome. Also called: Hereditary Cancer Syndrome; Neoplastic Syndromes, Hereditary; Tumor predisposition; Hereditary neoplastic syndrome. Identifiers: Orphanet 140162, MedGen C0027672, MeSH D009386, MONDO:0015356.
Familial adenomatous polyposis 1 (FAP1). Also called: FAMILIAL ADENOMATOUS POLYPOSIS 1, ATTENUATED; POLYPOSIS, ADENOMATOUS INTESTINAL. Identifiers: MedGen C2713442, MONDO:0021056, OMIM 175100. Disease mechanism: loss of function.

Submissions (2):

Labcorp Genetics (formerly Invitae), Labcorp
Classification: Uncertain significance for Familial adenomatous polyposis 1. Last evaluated: 2025-03-14. Review status: criteria provided, single submitter. Criteria: Invitae Variant Classification Sherloc (09022015). Collection method: clinical testing. Allele origin: germline.
Comment: This sequence change replaces lysine, which is basic and polar, with arginine, which is basic and polar, at codon 1616 of the APC protein (p.Lys1616Arg). This variant is not present in population databases (gnomAD no frequency). This variant has not been reported in the literature in individuals affected with APC-related conditions. ClinVar contains an entry for this variant (Variation ID: 1743532). Invitae Evidence Modeling of protein sequence and biophysical properties (such as structural, functional, and spatial information, amino acid conservation, physicochemical variation, residue mobility, and thermodynamic stability) indicates that this missense variant is not expected to disrupt APC protein function with a negative predictive value of 95%. In summary, the available evidence is currently insufficient to determine the role of this variant in disease. Therefore, it has been classified as a Variant of Uncertain Significance.

Ambry Genetics
Classification: Uncertain significance for Hereditary cancer-predisposing syndrome. Last evaluated: 2021-06-28. Review status: criteria provided, single submitter. Criteria: Ambry Variant Classification Scheme 2023. Collection method: clinical testing. Allele origin: germline.
Comment: The p.K1616R variant (also known as c.4847A>G), located in coding exon 15 of the APC gene, results from an A to G substitution at nucleotide position 4847. The lysine at codon 1616 is replaced by arginine, an amino acid with highly similar properties. This amino acid position is highly conserved in available vertebrate species. In addition, in silico predictors for this gene do not accurately predict pathogenicity. Since supporting evidence is limited at this time, the clinical significance of this alteration remains unclear.